The following is an entry in ClinVar:

NM_001849.4(COL6A2):c.2360C>T (p.Thr787Met)

Gene: COL6A2 (collagen type VI alpha 2 chain; plus strand). Cytogenetic location: 21q22.3.
Variant type: single nucleotide variant.
Coding change: c.2360C>T on transcript NM_001849.4 (MANE Select); coding-DNA position 2360, C replaced by T.
Protein change: p.Thr787Met; replaces threonine 787 with methionine.
Molecular consequence: missense variant.
Genome position (GRCh38, 1-based): chr21:46,126,175, C>T. VCF-style: chr21-46126175-C-T. GRCh37 (hg19) VCF-style: chr21-47546089-C-T.
Other names: c.2360C>T, p.Thr787Met (NM_058174.3, NM_058175.3); short protein forms T787M.
Identifiers: ClinVar variation 2151086 (VCV002151086.4), dbSNP rs769644955, ClinGen allele CA10072536.
Genomic context (GRCh38, chr21:46,126,175, plus strand): 5'-ACGAGAGTGAAAACCTCTACTCCATCGCCTGCGACAAGCCACAGCAGGTGCGCAACATGA[C>T]GCTGTTCTCCGACCTGGTCGCTGAGAAGTTCATCGATGACATGGAGGACGTCCTCTGCCC-3'
Protein context (NP_001840.3, residues 777-797): CDKPQQVRNM[Thr787Met]LFSDLVAEKF

ClinVar aggregate classification (germline): Uncertain significance (1 of 4 stars; one submission).

Conditions:
Bethlem myopathy 1A. Also called: Bethlem Muscular Dystrophy; Bethlem myopathy 1; MYOPATHY, BENIGN CONGENITAL, WITH CONTRACTURES. Identifiers: Orphanet 610, MedGen CN029274, MONDO:0024530, OMIM 158810.

Allele frequency attached by ClinVar (database versions not stated): gnomAD 0.00002; gnomAD exomes 0.00002; ExAC 0.00003; TOPMed 0.00001.
gnomAD v4.1: 26 of 1,607,418 alleles (0.0016%); highest among the groups gnomAD compares: East Asian, 0.0045%; no homozygotes.

Submission:

Labcorp Genetics (formerly Invitae), Labcorp
Classification: Uncertain significance for Bethlem myopathy 1A. Last evaluated: 2022-10-04. Review status: criteria provided, single submitter. Criteria: Invitae Variant Classification Sherloc (09022015). Collection method: clinical testing. Allele origin: germline.
Comment: This variant has not been reported in the literature in individuals affected with COL6A2-related conditions. In summary, the available evidence is currently insufficient to determine the role of this variant in disease. Therefore, it has been classified as a Variant of Uncertain Significance. Advanced modeling of protein sequence and biophysical properties (such as structural, functional, and spatial information, amino acid conservation, physicochemical variation, residue mobility, and thermodynamic stability) performed at Invitae indicates that this missense variant is not expected to disrupt COL6A2 protein function. This variant is present in population databases (rs769644955, gnomAD 0.01%). This sequence change replaces threonine, which is neutral and polar, with methionine, which is neutral and non-polar, at codon 787 of the COL6A2 protein (p.Thr787Met).